The following is an entry in ClinVar:

ClinVar aggregate classification (germline): Uncertain significance (1 of 4 stars; one submission).

Conditions:
Tuberous sclerosis 1 (TSC1). Identifiers: Orphanet 805, MedGen C1854465, MONDO:0008612, OMIM 191100.

Submission:

Labcorp Genetics (formerly Invitae), Labcorp
Classification: Uncertain significance for Tuberous sclerosis 1. Last evaluated: 2024-02-17. Review status: criteria provided, single submitter. Criteria: Invitae Variant Classification Sherloc (09022015). Collection method: clinical testing. Allele origin: germline.
Comment: This sequence change replaces serine, which is neutral and polar, with arginine, which is basic and polar, at codon 1038 of the TSC1 protein (p.Ser1038Arg). This variant is not present in population databases (gnomAD no frequency). This variant has not been reported in the literature in individuals affected with TSC1-related conditions. ClinVar contains an entry for this variant (Variation ID: 1384642). An algorithm developed to predict the effect of missense changes on protein structure and function (PolyPhen-2) suggests that this variant is likely to be tolerated. In summary, the available evidence is currently insufficient to determine the role of this variant in disease. Therefore, it has been classified as a Variant of Uncertain Significance.

NM_000368.5(TSC1):c.3114C>G (p.Ser1038Arg)

Gene: TSC1 (TSC complex subunit 1; minus strand). Cytogenetic location: 9q34.13.
Variant type: single nucleotide variant.
Coding change: c.3114C>G on transcript NM_000368.5 (MANE Select); coding-DNA position 3114, C replaced by G.
Protein change: p.Ser1038Arg; replaces serine 1038 with arginine.
Molecular consequence: missense variant.
Genome position (GRCh38, 1-based): chr9:132,896,616, G>C on the plus strand (C>G on the coding strand, the complement: TSC1 is on the minus strand). VCF-style: chr9-132896616-G-C. GRCh37 (hg19) VCF-style: chr9-135772003-G-C.
Other names: c.3111C>G, p.Ser1037Arg (NM_001162426.2); c.2961C>G, p.Ser987Arg (NM_001162427.2); c.2751C>G, p.Ser917Arg (NM_001362177.2); short protein forms S1038R, S917R, S1037R, S987R.
Identifiers: ClinVar variation 1384642 (VCV001384642.8), dbSNP rs1588287598, ClinGen allele CA375367382.